The following is an entry in ClinVar:

NM_001042492.3(NF1):c.6759del (p.Cys2254fs)

Gene: NF1 (neurofibromin 1; plus strand). Cytogenetic location: 17q11.2.
Variant type: Deletion.
Coding change: c.6759del on transcript NM_001042492.3 (MANE Select); coding-DNA position 6759, one base deleted (G; older notation c.6759delG).
Protein change: p.Cys2254fs; shifts the reading frame from cysteine 2254.
Molecular consequence: frameshift variant.
Genome position (GRCh38, 1-based): chr17:31,338,079, G deleted; the last of 3 consecutive G bases (chr17:31,338,077-31,338,079); deleting any one gives the same sequence. VCF-style (leftmost placement, unchanged base first): chr17-31338076-TG-T. GRCh37 (hg19) VCF-style: chr17-29665094-TG-T.
Other names: c.6696del, p.Cys2233fs (NM_000267.4); short protein forms C2254fs, C2233fs.
Identifiers: ClinVar variation 4730626 (VCV004730626.1).

ClinVar aggregate classification (germline): Pathogenic (1 of 4 stars; one submission).

Conditions:
Neurofibromatosis, type 1 (NF1). Also called: VON RECKLINGHAUSEN DISEASE; Peripheral type neurofibromatosis; NEUROFIBROMATOSIS, TYPE I, SOMATIC; Neurofibromatosis, type I. Identifiers: Orphanet 636, MedGen C0027831, MONDO:0018975, OMIM 162200. Disease mechanism: loss of function.

Submission:

Labcorp Genetics (formerly Invitae), Labcorp
Classification: Pathogenic for Neurofibromatosis, type 1. Last evaluated: 2025-11-06. Review status: criteria provided, single submitter. Criteria: Invitae Variant Classification Sherloc (09022015). Collection method: clinical testing. Allele origin: germline.
Comment: This sequence change creates a premature translational stop signal (p.Cys2233Valfs*11) in the NF1 gene. It is expected to result in an absent or disrupted protein product. Loss-of-function variants in NF1 are known to be pathogenic (PMID: 10712197, 23913538). This variant is not present in population databases (gnomAD no frequency). This variant has not been reported in the literature in individuals affected with NF1-related conditions. For these reasons, this variant has been classified as Pathogenic.

Literature cited by the submitters: PubMed 10712197; PubMed 23913538.